The following is an entry in ClinVar:

NM_000399.5(EGR2):c.815C>T (p.Thr272Ile)

Gene: EGR2 (early growth response 2; minus strand). Cytogenetic location: 10q21.3.
Variant type: single nucleotide variant.
Coding change: c.815C>T on transcript NM_000399.5 (MANE Select); coding-DNA position 815, C replaced by T.
Protein change: p.Thr272Ile; replaces threonine 272 with isoleucine.
Molecular consequence: missense variant.
Genome position (GRCh38, 1-based): chr10:62,813,823, G>A on the plus strand (C>T on the coding strand, the complement: EGR2 is on the minus strand). VCF-style: chr10-62813823-G-A. GRCh37 (hg19) VCF-style: chr10-64573583-G-A.
Other names: c.815C>T, p.Thr272Ile (NM_001136177.3, NM_001136178.2); c.665C>T, p.Thr222Ile (NM_001136179.3, NM_001321037.2); short protein forms T222I, T272I.
Identifiers: ClinVar variation 935303 (VCV000935303.8), dbSNP rs774959041, ClinGen allele CA5517222.

ClinVar aggregate classification (germline): Uncertain significance (1 of 4 stars; one submission).

Conditions:
Charcot-Marie-Tooth disease, type I (CMT1). Also called: Charcot-Marie-Tooth disease type 1; Charcot-Marie-Tooth, Type 1. Identifiers: Orphanet 65753, MedGen C0751036, MONDO:0019011.

Allele frequency attached by ClinVar (database versions not stated): gnomAD exomes below 0.00001; TOPMed below 0.00001; ExAC 0.00001.
gnomAD v4.1: 6 of 1,614,090 alleles (0.00037%); highest among the groups gnomAD compares: Non-Finnish European, 0.00051%; no homozygotes.

Submission:

Labcorp Genetics (formerly Invitae), Labcorp
Classification: Uncertain significance for Charcot-Marie-Tooth disease, type I. Last evaluated: 2025-11-18. Review status: criteria provided, single submitter. Criteria: Invitae Variant Classification Sherloc (09022015). Collection method: clinical testing. Allele origin: germline.
Comment: This sequence change replaces threonine, which is neutral and polar, with isoleucine, which is neutral and non-polar, at codon 272 of the EGR2 protein (p.Thr272Ile). This variant is present in population databases (rs774959041, gnomAD 0.0009%). This variant has not been reported in the literature in individuals affected with EGR2-related conditions. ClinVar contains an entry for this variant (Variation ID: 935303). Invitae Evidence Modeling of protein sequence and biophysical properties (such as structural, functional, and spatial information, amino acid conservation, physicochemical variation, residue mobility, and thermodynamic stability) has been performed for this missense variant. However, the output from this modeling did not meet the statistical confidence thresholds required to predict the impact of this variant on EGR2 protein function. In summary, the available evidence is currently insufficient to determine the role of this variant in disease. Therefore, it has been classified as a Variant of Uncertain Significance.